The following is an entry in ClinVar:

ClinVar aggregate classification (germline): Likely pathogenic (1 of 4 stars; one submission).

Conditions:
CHAMP1-related syndrome.
Neurodevelopmental disorder with hypotonia, impaired language, and dysmorphic features. Also called: Intellectual disability, autosomal dominant 40. Identifiers: Orphanet 692193, MedGen C5676894, MONDO:0014699, OMIM 616579.

Submission:

Equipe Genetique des Anomalies du Developpement, Université de Bourgogne
Classification: Likely pathogenic for Neurodevelopmental disorder with hypotonia, impaired language, and dysmorphic features. Last evaluated: 2019-06-07. Review status: criteria provided, single submitter. Criteria: ACMG Guidelines, 2015. Collection method: clinical testing. Allele origin: unknown. Affected: yes.

NM_032436.4(CHAMP1):c.661dup (p.Thr221fs)

Gene: CHAMP1 (chromosome alignment maintaining phosphoprotein 1; plus strand). Cytogenetic location: 13q34.
Variant type: Duplication.
Coding change: c.661dup on transcript NM_032436.4 (MANE Select); coding-DNA position 661, one base duplicated (A; older notation c.661dupA).
Protein change: p.Thr221fs; shifts the reading frame from threonine 221.
Molecular consequence: frameshift variant.
Genome position (GRCh38, 1-based): chr13:114,324,503, A duplicated. VCF-style (leftmost placement, unchanged base first): chr13-114324502-T-TA. GRCh37 (hg19) VCF-style: chr13-115089977-T-TA.
Other names: c.661dup, p.Thr221fs (NM_001164144.3, NM_001164145.3); short protein forms T221fs.
Identifiers: ClinVar variation 827777 (VCV000827777.4), dbSNP rs1594129609, ClinGen allele CA915948891.